The following is an entry in ClinVar:

NM_020937.4(FANCM):c.2399A>G (p.Glu800Gly)

Gene: FANCM (FA complementation group M; plus strand). Cytogenetic location: 14q21.2.
Variant type: single nucleotide variant.
Coding change: c.2399A>G on transcript NM_020937.4 (MANE Select); coding-DNA position 2399, A replaced by G.
Protein change: p.Glu800Gly; replaces glutamic acid 800 with glycine.
Molecular consequence: missense variant.
Genome position (GRCh38, 1-based): chr14:45,175,153, A>G. VCF-style: chr14-45175153-A-G. GRCh37 (hg19) VCF-style: chr14-45644356-A-G.
Other names: c.2321A>G, p.Glu774Gly (NM_001308133.2); short protein forms E774G, E800G.
Identifiers: ClinVar variation 4022823 (VCV004022823.1).

ClinVar aggregate classification (germline): Uncertain significance (1 of 4 stars; one submission).

Conditions:
Inborn genetic diseases. Identifiers: MedGen C0950123, MeSH D030342.

Submission:

Ambry Genetics
Classification: Uncertain significance for Inborn genetic diseases. Last evaluated: 2025-05-29. Review status: criteria provided, single submitter. Criteria: Ambry Variant Classification Scheme 2023. Collection method: clinical testing. Allele origin: germline.
Comment: The p.E800G variant (also known as c.2399A>G), located in coding exon 14 of the FANCM gene, results from an A to G substitution at nucleotide position 2399. The glutamic acid at codon 800 is replaced by glycine, an amino acid with similar properties. This amino acid position is conserved. In addition, this alteration is predicted to be tolerated by in silico analysis. Based on the available evidence, the clinical significance of this variant remains unclear.